The following is an entry in ClinVar:

ClinVar aggregate classification (germline): Pathogenic (1 of 4 stars; one submission).

Conditions:
Neurofibromatosis, type 1 (NF1). Also called: VON RECKLINGHAUSEN DISEASE; NEUROFIBROMATOSIS, TYPE I, SOMATIC; Peripheral type neurofibromatosis; Neurofibromatosis, type I. Identifiers: Orphanet 636, MedGen C0027831, MONDO:0018975, OMIM 162200. Disease mechanism: loss of function.

Submission:

Myriad Genetics, Inc.
Classification: Pathogenic for Neurofibromatosis, type 1. Last evaluated: 2026-04-17. Review status: criteria provided, single submitter. Criteria: Myriad Autosomal Dominant, Autosomal Recessive and X-Linked Classification Criteria (2023). Collection method: clinical testing. Allele origin: unknown.
Comment: This variant is considered pathogenic. This variant creates a frameshift predicted to result in premature protein truncation.

NM_001042492.3(NF1):c.6168_6169del (p.Lys2056fs)

Gene: NF1 (neurofibromin 1; plus strand). Cytogenetic location: 17q11.2.
Variant type: Deletion.
Coding change: c.6168_6169del on transcript NM_001042492.3 (MANE Select); coding-DNA positions 6168 to 6169, 2 bases deleted (AA; older notation c.6168_6169delAA).
Protein change: p.Lys2056fs; shifts the reading frame from lysine 2056.
Molecular consequence: frameshift variant.
Genome position (GRCh38, 1-based): chr17:31,336,655-31,336,656, AA deleted; deleting any 2 consecutive bases within chr17:31,336,653-31,336,656 gives the same sequence; the c. name uses the placement nearest the transcript's 3' end. VCF-style (leftmost placement, unchanged base first): chr17-31336652-CAA-C. GRCh37 (hg19) VCF-style: chr17-29663670-CAA-C.
Other names: c.6105_6106del, p.Lys2035fs (NM_000267.4); short protein forms K2035fs, K2056fs.
Identifiers: ClinVar variation 4876008 (VCV004876008.1).